The following is an entry in ClinVar:

NM_015450.3(POT1):c.1592_1594del (p.Glu531del)

Gene: POT1 (protection of telomeres 1; minus strand). Cytogenetic location: 7q31.33.
Variant type: Deletion.
Coding change: c.1592_1594del on transcript NM_015450.3 (MANE Select); coding-DNA positions 1592 to 1594, 3 bases deleted (AAG; older notation c.1592_1594delAAG).
Protein change: p.Glu531del; deletes glutamic acid 531.
Molecular consequence: inframe deletion. On other transcripts: non-coding transcript variant (2).
Genome position (GRCh38, 1-based): chr7:124,829,254-124,829,256, CTT deleted on the plus strand (AAG on the coding strand, the reverse complement: POT1 is on the minus strand); deleting any 3 consecutive bases within chr7:124,829,254-124,829,258 gives the same sequence; the c. name uses the placement nearest the transcript's 3' end. VCF-style (leftmost placement, unchanged base first): chr7-124829253-CCTT-C. GRCh37 (hg19) VCF-style: chr7-124469307-CCTT-C.
Other names: c.1199_1201del, p.Glu400del (NM_001042594.2); c.1592_1594delAAG (NM_015450.2); short protein forms E531del, E400del.
Identifiers: ClinVar variation 854388 (VCV000854388.10), dbSNP rs1794702913, ClinGen allele CA916082953.

ClinVar aggregate classification (germline): Uncertain significance. Review status: criteria provided, multiple submitters, no conflicts (2 of 4 stars). 2 submissions from 2 submitters: Uncertain significance (2). Last evaluated 2024-03-26.

Conditions:
Tumor predisposition syndrome 3 (TPDS3). Also called: Melanoma, cutaneous malignant, susceptibility to, 10; Glioma susceptibility 9; LONG TELOMERE SYNDROME, POT1-RELATED; POT1 Tumor Predisposition. Identifiers: Orphanet 618, MedGen C4014476, MONDO:0014368, OMIM 615848.
Hereditary cancer-predisposing syndrome. Also called: Neoplastic Syndromes, Hereditary; Hereditary neoplastic syndrome; Tumor predisposition; Hereditary Cancer Syndrome. Identifiers: Orphanet 140162, MedGen C0027672, MeSH D009386, MONDO:0015356.

Submissions (2):

Ambry Genetics
Classification: Uncertain significance for Hereditary cancer-predisposing syndrome. Last evaluated: 2024-03-26. Review status: criteria provided, single submitter. Criteria: Ambry Variant Classification Scheme 2023. Collection method: clinical testing. Allele origin: germline.
Comment: The c.1592_1594delAAG variant (also known as p.E531del) is located in coding exon 12 of the POT1 gene. This variant results from an in-frame AAG deletion at nucleotide positions 1592 to 1594. This results in the in-frame deletion of a glutamic acid at codon 531. This amino acid position is not well conserved in available vertebrate species. In addition, the in silico prediction for this alteration is inconclusive (Choi Y et al. PLoS ONE. 2012; 7(10):e46688). Based on the available evidence, the clinical significance of this alteration remains unclear.

Labcorp Genetics (formerly Invitae), Labcorp
Classification: Uncertain significance for Tumor predisposition syndrome 3. Last evaluated: 2024-01-19. Review status: criteria provided, single submitter. Criteria: Invitae Variant Classification Sherloc (09022015). Collection method: clinical testing. Allele origin: germline.
Comment: This variant, c.1592_1594del, results in the deletion of 1 amino acid(s) of the POT1 protein (p.Glu531del), but otherwise preserves the integrity of the reading frame. This variant is not present in population databases (gnomAD no frequency). This variant has not been reported in the literature in individuals affected with POT1-related conditions. ClinVar contains an entry for this variant (Variation ID: 854388). Experimental studies and prediction algorithms are not available or were not evaluated, and the functional significance of this variant is currently unknown. RNA analysis performed to evaluate the impact of this variant on mRNA splicing indicates it does not significantly alter splicing (Invitae). In summary, the available evidence is currently insufficient to determine the role of this variant in disease. Therefore, it has been classified as a Variant of Uncertain Significance.